The following is an entry in ClinVar:

NM_014956.5(CEP164):c.2991C>G (p.Leu997=)

Gene: CEP164 (centrosomal protein 164; plus strand). Cytogenetic location: 11q23.3.
Variant type: single nucleotide variant.
Coding change: c.2991C>G on transcript NM_014956.5 (MANE Select); coding-DNA position 2991, C replaced by G.
Protein change: p.Leu997=; no amino-acid change (leucine 997 retained).
Molecular consequence: synonymous variant.
Genome position (GRCh38, 1-based): chr11:117,395,624, C>G. VCF-style: chr11-117395624-C-G. GRCh37 (hg19) VCF-style: chr11-117266340-C-G.
Other names: c.3000C>G, p.Leu1000= (NM_001271933.2); c.2991C>G (NM_014956.4).
Identifiers: ClinVar variation 2108434 (VCV002108434.5), dbSNP rs765549940, ClinGen allele CA229360946.

ClinVar aggregate classification (germline): Likely benign. Review status: criteria provided, multiple submitters, no conflicts (2 of 4 stars). 2 submissions from 2 submitters: Likely benign (2). Last evaluated 2025-11-21.

Conditions:
CEP164-related disorder. Also called: CEP164-related condition.
Nephronophthisis 15 (NPHP15). Identifiers: Orphanet 3156, MedGen C3541853, MONDO:0013917, OMIM 614845.

Allele frequency attached by ClinVar (database versions not stated): gnomAD 0.00001; TOPMed 0.00002.
gnomAD v4.1: 15 of 1,613,826 alleles (0.00093%); highest among the groups gnomAD compares: African/African-American, 0.0027%; no homozygotes.

Submissions (2):

PreventionGenetics, part of Exact Sciences
Classification: Likely benign for CEP164-related condition. Last evaluated: 2025-11-21. Review status: criteria provided, single submitter. Criteria: ACMG Guidelines, 2015. Collection method: clinical testing. Allele origin: germline.
Comment: This variant is classified as likely benign based on ACMG/AMP sequence variant interpretation guidelines (Richards et al. 2015 PMID: 25741868, with internal and published modifications).

Labcorp Genetics (formerly Invitae), Labcorp
Classification: Likely benign for Nephronophthisis 15. Last evaluated: 2024-07-01. Review status: criteria provided, single submitter. Criteria: Invitae Variant Classification Sherloc (09022015). Collection method: clinical testing. Allele origin: germline.